The following is an entry in ClinVar:

NM_000127.3(EXT1):c.752del (p.Phe250_Leu251insTer)

Gene: EXT1 (exostosin glycosyltransferase 1; minus strand). Cytogenetic location: 8q24.11.
Variant type: Deletion.
Coding change: c.752del on transcript NM_000127.3 (MANE Select); coding-DNA position 752, one base deleted (T; older notation c.752delT).
Protein change: p.Phe250_Leu251insTer.
Molecular consequence: nonsense.
Genome position (GRCh38, 1-based): chr8:118,110,295, A deleted on the plus strand (T on the coding strand, the reverse complement: EXT1 is on the minus strand); the first of 5 consecutive A bases (chr8:118,110,295-118,110,299); deleting any one gives the same sequence. VCF-style (leftmost placement, unchanged base first): chr8-118110294-CA-C. GRCh37 (hg19) VCF-style: chr8-119122533-CA-C.
Identifiers: ClinVar variation 1075642 (VCV001075642.12), dbSNP rs2130041954, ClinGen allele CA2499219106.

ClinVar aggregate classification (germline): Pathogenic. Review status: criteria provided, multiple submitters, no conflicts (2 of 4 stars). 3 submissions from 3 submitters: Pathogenic (3). Last evaluated 2023-07-31.

Conditions:
Multiple congenital exostosis (EXT). Also called: Hereditary multiple exostoses; Hereditary multiple exostosis; Hereditary multiple osteochondromas; MULTIPLE CARTILAGINOUS EXOSTOSES; Multiple osteochondromas; Multiple exostoses. Identifiers: Orphanet 321, MedGen C0015306, MONDO:0005508, HP:0002762.
Chondrosarcoma. Also called: Chondrosarcoma, somatic. Identifiers: Orphanet 55880, MedGen C0008479, MONDO:0008977, OMIM 215300, HP:0006765.
Exostoses, multiple, type 1 (EXT1). Also called: EXOSTOSES, MULTIPLE, TYPE I; Hereditary Multiple Osteochondromatosis, Type I. Identifiers: MedGen CN263289, MONDO:0007585, OMIM 133700.
EXT1-related disorders.

Submissions (3):

Blueprint Genetics
Classification: Pathogenic for EXT1-related disorders. Last evaluated: 2023-07-31. Review status: criteria provided, single submitter. Criteria: ACMG Guidelines, 2015. Collection method: clinical testing. Allele origin: germline. Affected: yes. Observed: 1 variant allele.

Labcorp Genetics (formerly Invitae), Labcorp
Classification: Pathogenic for Multiple congenital exostosis. Last evaluated: 2020-04-20. Review status: criteria provided, single submitter. Criteria: Invitae Variant Classification Sherloc (09022015). Collection method: clinical testing. Allele origin: germline.
Comment: Loss-of-function variants in EXT1 are known to be pathogenic (PMID: 10679937, 11391482, 19810120). This variant has been observed in individual(s) with multiple osteochondromas (PMID: 25230886, 23262345, 19810120). This variant is not present in population databases (ExAC no frequency). This sequence change creates a premature translational stop signal (p.Leu251*) in the EXT1 gene. It is expected to result in an absent or disrupted protein product. For these reasons, this variant has been classified as Pathogenic.

Juno Genomics, Hangzhou Juno Genomics, Inc
Classification: Pathogenic for Chondrosarcoma; Exostoses, multiple, type 1. Review status: criteria provided, single submitter. Criteria: ACMG Guidelines, 2015. Collection method: clinical testing. Allele origin: germline. Affected: yes.
Comment: Absent from controls (or at extremely low frequency if recessive) in Genome Aggregation Database, Exome Sequencing Project, 1000 Genomes Project, or Exome Aggregation Consortium.;Null variant in a gene where loss of function (LOF) is a known mechanism of disease.;The prevalence of the variant in affected individuals is significantly increased compared to the prevalence in controls.

Literature cited by the submitters: PubMed 10679937 (cited by Labcorp Genetics (formerly Invitae), Labcorp); PubMed 11391482 (cited by Labcorp Genetics (formerly Invitae), Labcorp); PubMed 19810120 (cited by Labcorp Genetics (formerly Invitae), Labcorp); PubMed 25230886 (cited by Labcorp Genetics (formerly Invitae), Labcorp); PubMed 23262345 (cited by Labcorp Genetics (formerly Invitae), Labcorp).